The following is an entry in ClinVar:

ClinVar aggregate classification (germline): Uncertain significance (1 of 4 stars; one submission).

Conditions:
Developmental and epileptic encephalopathy, 12 (DEE12). Identifiers: MedGen C3150988, MONDO:0013389, OMIM 613722.

Allele frequency attached by ClinVar (database versions not stated): gnomAD 0.00001; TOPMed 0.00001.

Submission:

Labcorp Genetics (formerly Invitae), Labcorp
Classification: Uncertain significance for Developmental and epileptic encephalopathy, 12. Last evaluated: 2020-04-01. Review status: criteria provided, single submitter. Criteria: Invitae Variant Classification Sherloc (09022015). Collection method: clinical testing. Allele origin: germline.
Comment: This sequence change replaces methionine with isoleucine at codon 1098 of the PLCB1 protein (p.Met1098Ile). The methionine residue is moderately conserved and there is a small physicochemical difference between methionine and isoleucine. This variant is not present in population databases (ExAC no frequency). This variant has not been reported in the literature in individuals with PLCB1-related conditions. Algorithms developed to predict the effect of missense changes on protein structure and function (SIFT, PolyPhen-2, Align-GVGD) all suggest that this variant is likely to be tolerated, but these predictions have not been confirmed by published functional studies and their clinical significance is uncertain. In summary, the available evidence is currently insufficient to determine the role of this variant in disease. Therefore, it has been classified as a Variant of Uncertain Significance.

NM_015192.4(PLCB1):c.3294G>T (p.Met1098Ile)

Gene: PLCB1 (phospholipase C beta 1; plus strand). Cytogenetic location: 20p12.3.
Variant type: single nucleotide variant.
Coding change: c.3294G>T on transcript NM_015192.4 (MANE Select); coding-DNA position 3294, G replaced by T.
Protein change: p.Met1098Ile; replaces methionine 1098 with isoleucine.
Molecular consequence: missense variant.
Genome position (GRCh38, 1-based): chr20:8,789,533, G>T. VCF-style: chr20-8789533-G-T. GRCh37 (hg19) VCF-style: chr20-8770180-G-T.
Other names: c.3294G>T, p.Met1098Ile (NM_182734.3); short protein forms M1098I.
Identifiers: ClinVar variation 1020772 (VCV001020772.9), dbSNP rs1983651282, ClinGen allele CA408209896.
Genomic context (GRCh38, chr20:8,789,533, plus strand): 5'-TTCTGGATGAATTGGTATAATGATGTATTCATCATTTGCTTTTAGGGAGAAGACAGAGAT[G>T]ATCCGGTCATATATCCAGGAAGTGGTGCAGTATATCAAGAGGGTATGTGGGCTCATCACG-3'
Protein context (NP_056007.1, residues 1088-1108): KSQMEEEKTE[Met1098Ile]IRSYIQEVVQ